The following is an entry in ClinVar:

ClinVar aggregate classification (germline): Uncertain significance (1 of 4 stars; one submission).

Conditions:
Hereditary cancer-predisposing syndrome. Also called: Hereditary Cancer Syndrome; Hereditary neoplastic syndrome; Tumor predisposition; Neoplastic Syndromes, Hereditary. Identifiers: Orphanet 140162, MedGen C0027672, MeSH D009386, MONDO:0015356.
Cardiovascular phenotype. Identifiers: MedGen CN230736.

gnomAD v4.1: 2 of 1,613,512 alleles (0.00012%); highest among the groups gnomAD compares: Non-Finnish European, 0.00017%; no homozygotes.

Submission:

Ambry Genetics
Classification: Uncertain significance for Cardiovascular phenotype; Hereditary cancer-predisposing syndrome. Last evaluated: 2024-09-21. Review status: criteria provided, single submitter. Criteria: Ambry Variant Classification Scheme 2023. Collection method: clinical testing. Allele origin: germline.
Comment: The p.K789E variant (also known as c.2365A>G), located in coding exon 20 of the LZTR1 gene, results from an A to G substitution at nucleotide position 2365. The lysine at codon 789 is replaced by glutamic acid, an amino acid with similar properties. This amino acid position is conserved. In addition, this alteration is predicted to be deleterious by in silico analysis. Based on the available evidence, the clinical significance of this variant remains unclear.

NM_006767.4(LZTR1):c.2365A>G (p.Lys789Glu)

Gene: LZTR1 (leucine zipper like post translational regulator 1; plus strand). Cytogenetic location: 22q11.21.
Variant type: single nucleotide variant.
Coding change: c.2365A>G on transcript NM_006767.4 (MANE Select); coding-DNA position 2365, A replaced by G.
Protein change: p.Lys789Glu; replaces lysine 789 with glutamic acid.
Molecular consequence: missense variant.
Genome position (GRCh38, 1-based): chr22:20,996,925, A>G. VCF-style: chr22-20996925-A-G. GRCh37 (hg19) VCF-style: chr22-21351214-A-G.
Other names: short protein forms K789E.
Identifiers: ClinVar variation 3541515 (VCV003541515.1).
Genomic context (GRCh38, chr22:20,996,925, plus strand): 5'-TCAAGGTCCCTGCCATTGCAGATCCTGGAGGCAGCTGACAAAACGCAGGCACTGGACATG[A>G]AGCGGCACTGCCTGCACATCATTGTGCACCAGTTCACCAAGGTCAGGGCTCTGGCCTCCC-3'
Protein context (NP_006758.2, residues 779-799): AADKTQALDM[Lys789Glu]RHCLHIIVHQ